The following is an entry in ClinVar:

NM_006073.4(TRDN):c.344C>T (p.Ser115Leu)

Gene: TRDN (triadin; minus strand). Cytogenetic location: 6q22.31.
Variant type: single nucleotide variant.
Coding change: c.344C>T on transcript NM_006073.4 (MANE Select); coding-DNA position 344, C replaced by T.
Protein change: p.Ser115Leu; replaces serine 115 with leucine.
Molecular consequence: missense variant.
Genome position (GRCh38, 1-based): chr6:123,548,501, G>A on the plus strand (C>T on the coding strand, the complement: TRDN is on the minus strand). VCF-style: chr6-123548501-G-A. GRCh37 (hg19) VCF-style: chr6-123869646-G-A.
Other names: c.344C>T, p.Ser115Leu (NM_001251987.2, NM_001256020.2, NM_001256021.2 and 2 more transcripts); short protein forms S115L.
Identifiers: ClinVar variation 1731541 (VCV001731541.2), dbSNP rs2534485147, ClinGen allele CA365568743.

ClinVar aggregate classification (germline): Uncertain significance (1 of 4 stars; one submission).

Conditions:
Cardiovascular phenotype. Identifiers: MedGen CN230736.

gnomAD v4.1: 1 of 1,577,220 alleles (0.000063%); highest among the groups gnomAD compares: Non-Finnish European, 0.000086%; no homozygotes.

Submission:

Ambry Genetics
Classification: Uncertain significance for Cardiovascular phenotype. Last evaluated: 2022-02-16. Review status: criteria provided, single submitter. Criteria: Ambry Variant Classification Scheme 2023. Collection method: clinical testing. Allele origin: germline.
Comment: The p.S115L variant (also known as c.344C>T), located in coding exon 3 of the TRDN gene, results from a C to T substitution at nucleotide position 344. The serine at codon 115 is replaced by leucine, an amino acid with dissimilar properties. This amino acid position is conserved. In addition, this alteration is predicted to be tolerated by in silico analysis. Since supporting evidence is limited at this time, the clinical significance of this alteration remains unclear.